The following is an entry in ClinVar:

ClinVar aggregate classification (germline): Uncertain significance (1 of 4 stars; one submission).

Allele frequency attached by ClinVar (database versions not stated): ExAC 0.00003; gnomAD 0.00003.
gnomAD v4.1: 43 of 1,612,948 alleles (0.0027%); highest among the groups gnomAD compares: South Asian, 0.011%; 1 homozygote.

Submission:

Labcorp Genetics (formerly Invitae), Labcorp
Classification: Uncertain significance. Last evaluated: 2024-05-22. Review status: criteria provided, single submitter. Criteria: Invitae Variant Classification Sherloc (09022015). Collection method: clinical testing. Allele origin: germline.
Comment: This sequence change replaces alanine, which is neutral and non-polar, with valine, which is neutral and non-polar, at codon 93 of the AK7 protein (p.Ala93Val). This variant is present in population databases (rs758176888, gnomAD 0.01%). This variant has not been reported in the literature in individuals affected with AK7-related conditions. Advanced modeling of protein sequence and biophysical properties (such as structural, functional, and spatial information, amino acid conservation, physicochemical variation, residue mobility, and thermodynamic stability) performed at Invitae indicates that this missense variant is not expected to disrupt AK7 protein function with a negative predictive value of 80%. In summary, the available evidence is currently insufficient to determine the role of this variant in disease. Therefore, it has been classified as a Variant of Uncertain Significance.

NM_152327.5(AK7):c.278C>T (p.Ala93Val)

Gene: AK7 (adenylate kinase 7; plus strand). Cytogenetic location: 14q32.2.
Variant type: single nucleotide variant.
Coding change: c.278C>T on transcript NM_152327.5 (MANE Select); coding-DNA position 278, C replaced by T.
Protein change: p.Ala93Val; replaces alanine 93 with valine.
Molecular consequence: missense variant.
Genome position (GRCh38, 1-based): chr14:96,398,247, C>T. VCF-style: chr14-96398247-C-T. GRCh37 (hg19) VCF-style: chr14-96864584-C-T.
Other names: c.278C>T, p.Ala93Val (NM_001350888.2, NM_001350890.2, NM_001350891.2 and 1 more transcripts); short protein forms A93V.
Identifiers: ClinVar variation 2997808 (VCV002997808.2), dbSNP rs758176888, ClinGen allele CA7337397.